The following is an entry in ClinVar:

ClinVar aggregate classification (germline): Uncertain significance. Review status: criteria provided, multiple submitters, no conflicts (2 of 4 stars). 5 submissions from 5 submitters: Uncertain significance (5). Last evaluated 2026-01-16.

Conditions:
Cardiovascular phenotype. Identifiers: MedGen CN230736.
RASopathy. Also called: rasopathies; Noonan spectrum disorder. Identifiers: Orphanet 536391, MedGen C5555857, MONDO:0021060.
Noonan syndrome 5 (NS5). Also called: RAF1-Related Noonan Syndrome. Identifiers: Orphanet 648, MedGen C1969057, MONDO:0012690, OMIM 611553. Disease mechanism: gain of function.
Dilated cardiomyopathy 1NN. Identifiers: Orphanet 154, MedGen C4014656, MONDO:0014396, OMIM 615916.
LEOPARD syndrome 2 (LPRD2). Also called: RAF1-Related LEOPARD Syndrome. Identifiers: Orphanet 500, MedGen C1969056, MONDO:0012691, OMIM 611554.

Allele frequency attached by ClinVar (database versions not stated): gnomAD exomes below 0.00001; TOPMed below 0.00001.
gnomAD v4.1: 4 of 1,614,176 alleles (0.00025%); highest among the groups gnomAD compares: East Asian, 0.0022%; no homozygotes.

Submissions (5):

Labcorp Genetics (formerly Invitae), Labcorp
Classification: Uncertain significance for RASopathy. Last evaluated: 2026-01-16. Review status: criteria provided, single submitter. Criteria: Invitae Variant Classification Sherloc (09022015). Collection method: clinical testing. Allele origin: germline.
Comment: This sequence change replaces arginine, which is basic and polar, with cysteine, which is neutral and slightly polar, at codon 495 of the RAF1 protein (p.Arg495Cys). This variant is present in population databases (no rsID available, gnomAD 0.006%). This variant has not been reported in the literature in individuals affected with RAF1-related conditions. ClinVar contains an entry for this variant (Variation ID: 2148191). Invitae Evidence Modeling of protein sequence and biophysical properties (such as structural, functional, and spatial information, amino acid conservation, physicochemical variation, residue mobility, and thermodynamic stability) indicates that this missense variant is expected to disrupt RAF1 protein function with a positive predictive value of 95%. In summary, the available evidence is currently insufficient to determine the role of this variant in disease. Therefore, it has been classified as a Variant of Uncertain Significance.

Fulgent Genetics
Classification: Uncertain significance for Noonan syndrome 5; LEOPARD syndrome 2; Dilated cardiomyopathy 1NN. Last evaluated: 2024-03-27. Review status: criteria provided, single submitter. Criteria: ACMG Guidelines, 2015. Collection method: clinical testing. Allele origin: germline.

Women's Health and Genetics/Laboratory Corporation of America, LabCorp
Classification: Uncertain significance. Last evaluated: 2023-09-11. Review status: criteria provided, single submitter. Criteria: LabCorp Variant Classification Summary - May 2015. Collection method: clinical testing. Allele origin: germline.
Comment: Variant summary: RAF1 c.1483C>T (p.Arg495Cys) results in a non-conservative amino acid change located in the Protein kinase domain (IPR000719) of the encoded protein sequence. Five of five in-silico tools predict a damaging effect of the variant on protein function. The variant allele was found at a frequency of 4e-06 in 251402 control chromosomes. The available data on variant occurrences in the general population are insufficient to allow any conclusion about variant significance. To our knowledge, no occurrence of c.1483C>T in individuals affected with Noonan Syndrome and no experimental evidence demonstrating its impact on protein function have been reported. Two submitters have cited clinical-significance assessments for this variant to ClinVar after 2014. All submitters classified the variant as uncertain significance. Based on the evidence outlined above, the variant was classified as uncertain significance.

Ambry Genetics
Classification: Uncertain significance for Cardiovascular phenotype. Last evaluated: 2023-03-06. Review status: criteria provided, single submitter. Criteria: Ambry Variant Classification Scheme 2023. Collection method: clinical testing. Allele origin: germline.
Comment: The p.R495C variant (also known as c.1483C>T), located in coding exon 13 of the RAF1 gene, results from a C to T substitution at nucleotide position 1483. The arginine at codon 495 is replaced by cysteine, an amino acid with highly dissimilar properties. This amino acid position is highly conserved in available vertebrate species. In addition, this alteration is predicted to be deleterious by in silico analysis. Since supporting evidence is limited at this time, the clinical significance of this alteration remains unclear.

Blueprint Genetics
Classification: Uncertain significance. Last evaluated: 2020-10-14. Review status: criteria provided, single submitter. Criteria: ACMG Guidelines, 2015. Collection method: clinical testing. Allele origin: germline.

NM_002880.4(RAF1):c.1483C>T (p.Arg495Cys)

Gene: RAF1 (Raf-1 proto-oncogene, serine/threonine kinase; minus strand). Cytogenetic location: 3p25.2.
Variant type: single nucleotide variant.
Coding change: c.1483C>T on transcript NM_002880.4 (MANE Select); coding-DNA position 1483, C replaced by T.
Protein change: p.Arg495Cys; replaces arginine 495 with cysteine.
Molecular consequence: missense variant. On other transcripts: non-coding transcript variant (3).
Genome position (GRCh38, 1-based): chr3:12,585,734, G>A on the plus strand (C>T on the coding strand, the complement: RAF1 is on the minus strand). VCF-style: chr3-12585734-G-A. GRCh37 (hg19) VCF-style: chr3-12627233-G-A.
Other names: c.1543C>T, p.Arg515Cys (NM_001354689.3); c.1483C>T, p.Arg495Cys (NM_001354690.3); c.1240C>T, p.Arg414Cys (NM_001354691.3, NM_001354692.3); c.1384C>T, p.Arg462Cys (NM_001354693.3); c.1300C>T, p.Arg434Cys (NM_001354694.3); c.1141C>T, p.Arg381Cys (NM_001354695.3); short protein forms R414C, R381C, R495C, R434C, R462C, R515C.
Identifiers: ClinVar variation 2148191 (VCV002148191.9), dbSNP rs941573221, ClinGen allele CA69603933.